The following is an entry in ClinVar:

ClinVar aggregate classification (germline): Uncertain significance. Review status: criteria provided, multiple submitters, no conflicts (2 of 4 stars). 2 submissions from 2 submitters: Uncertain significance (2). Last evaluated 2025-05-14.

Conditions:
Inborn genetic diseases. Identifiers: MedGen C0950123, MeSH D030342.

Allele frequency attached by ClinVar (database versions not stated): gnomAD exomes 0.00010; gnomAD 0.00001 and 0.00007; TOPMed 0.00005; 1000 Genomes Project 0.00040; ExAC 0.00010; 1000 Genomes Project 30x 0.00047.
gnomAD v4.1: 71 of 1,564,810 alleles (0.0045%); highest among the groups gnomAD compares: South Asian, 0.064%; no homozygotes.

Submissions (2):

Ambry Genetics
Classification: Uncertain significance for Inborn genetic diseases. Last evaluated: 2025-05-14. Review status: criteria provided, single submitter. Criteria: Ambry Variant Classification Scheme 2023. Collection method: clinical testing. Allele origin: germline.

Labcorp Genetics (formerly Invitae), Labcorp
Classification: Uncertain significance. Last evaluated: 2022-02-06. Review status: criteria provided, single submitter. Criteria: Invitae Variant Classification Sherloc (09022015). Collection method: clinical testing. Allele origin: germline.
Comment: This sequence change replaces isoleucine, which is neutral and non-polar, with threonine, which is neutral and polar, at codon 177 of the SKIV2L protein (p.Ile177Thr). This variant is present in population databases (rs527490048, gnomAD 0.08%). This variant has not been reported in the literature in individuals affected with SKIV2L-related conditions. Algorithms developed to predict the effect of missense changes on protein structure and function are either unavailable or do not agree on the potential impact of this missense change (SIFT: "Deleterious"; PolyPhen-2: "Benign"; Align-GVGD: "Class C0"). In summary, the available evidence is currently insufficient to determine the role of this variant in disease. Therefore, it has been classified as a Variant of Uncertain Significance.

NM_006929.5(SKIC2):c.530T>C (p.Ile177Thr)

Gene: SKIC2 (SKI2 subunit of superkiller complex; plus strand). Cytogenetic location: 6p21.33.
Variant type: single nucleotide variant.
Coding change: c.530T>C on transcript NM_006929.5 (MANE Select); coding-DNA position 530, T replaced by C.
Protein change: p.Ile177Thr; replaces isoleucine 177 with threonine.
Molecular consequence: missense variant.
Genome position (GRCh38, 1-based): chr6:31,960,726, T>C. VCF-style: chr6-31960726-T-C. GRCh37 (hg19) VCF-style: chr6-31928503-T-C.
Other names: c.530T>C (NM_006929.4); short protein forms I177T.
Identifiers: ClinVar variation 1444553 (VCV001444553.4), dbSNP rs527490048, ClinGen allele CA3729184.